The following is an entry in ClinVar:

ClinVar aggregate classification (germline): Uncertain significance (1 of 4 stars; one submission).

Submission:

Women's Health and Genetics/Laboratory Corporation of America, LabCorp
Classification: Uncertain significance. Last evaluated: 2025-12-31. Review status: criteria provided, single submitter. Criteria: LabCorp Variant Classification Summary - May 2015. Collection method: clinical testing. Allele origin: germline.
Comment: Variant summary: BCORL1 c.1343C>A (p.Pro448Gln) results in a non-conservative amino acid change in the encoded protein sequence. Algorithms developed to predict the effect of missense changes on protein structure and function are either unavailable or do not agree on the potential impact of this missense change. The variant was absent in 182673 control chromosomes. The available data on variant occurrences in the general population are insufficient to allow any conclusion about variant significance. To our knowledge, no occurrence of c.1343C>A in individuals affected with BCORL1-related conditions and no experimental evidence demonstrating its impact on protein function have been reported. No submitters have cited clinical-significance assessments for this variant to ClinVar. Based on the evidence outlined above, the variant was classified as uncertain significance.

NM_001379451.1(BCORL1):c.1343C>A (p.Pro448Gln)

Gene: BCORL1 (BCL6 corepressor like 1; plus strand). Cytogenetic location: Xq26.1.
Variant type: single nucleotide variant.
Coding change: c.1343C>A on transcript NM_001379451.1 (MANE Select); coding-DNA position 1343, C replaced by A.
Protein change: p.Pro448Gln; replaces proline 448 with glutamine.
Molecular consequence: missense variant.
Genome position (GRCh38, 1-based): chrX:130,014,115, C>A. VCF-style: chrX-130014115-C-A. GRCh37 (hg19) VCF-style: chrX-129148091-C-A.
Other names: c.1343C>A, p.Pro448Gln (NM_001184772.3, NM_001379450.1, NM_001441326.1 and 7 more transcripts); short protein forms P448Q.
Identifiers: ClinVar variation 4688775 (VCV004688775.1).